The following is an entry in ClinVar:

NM_006432.5(NPC2):c.67C>T (p.Gln23Ter)

Gene: NPC2 (NPC intracellular cholesterol transporter 2; minus strand). Cytogenetic location: 14q24.3.
Variant type: single nucleotide variant.
Coding change: c.67C>T on transcript NM_006432.5 (MANE Select); coding-DNA position 67, C replaced by T.
Protein change: p.Gln23Ter; replaces glutamine 23 with a stop codon.
Molecular consequence: nonsense.
Genome position (GRCh38, 1-based): chr14:74,493,208, G>A on the plus strand (C>T on the coding strand, the complement: NPC2 is on the minus strand). VCF-style: chr14-74493208-G-A. GRCh37 (hg19) VCF-style: chr14-74959911-G-A.
Other names: c.67C>T, p.Gln23Ter (NM_001363688.1, NM_001375440.1); short protein forms Q23*.
Identifiers: ClinVar variation 2585170 (VCV002585170.1), dbSNP rs2506115406, ClinGen allele CA390376662.

ClinVar aggregate classification (germline): Likely pathogenic (1 of 4 stars; one submission).

Conditions:
Niemann-Pick disease, type C2 (NPC2). Identifiers: Orphanet 646, MedGen C1843366, MONDO:0011873, OMIM 607625.

Submission:

Neuberg Centre For Genomic Medicine, NCGM
Classification: Likely pathogenic for Niemann-Pick disease, type C2. Review status: criteria provided, single submitter. Criteria: ACMG Guidelines, 2015. Collection method: clinical testing. Allele origin: germline. Inheritance: Autosomal recessive inheritance. Affected: yes.
Comment: The stop gained c.67C>T (p.Gln23Ter) variant in NPC2 gene has not been reported previously as a pathogenic variant nor as a benign variant, to our knowledge. The variant is novel (not in any individuals) in gnomAD Exomes and in 1000 Genomes. This variant is predicted to cause loss of normal protein function through protein truncation. Loss of function variants have been previously reported to be disease causing. For these reasons, this variant has been classified as Likely Pathogenic